The following is an entry in ClinVar:

ClinVar aggregate classification (germline): Conflicting classifications of pathogenicity. Review status: criteria provided, conflicting classifications (1 of 4 stars). 4 submissions from 4 submitters: Likely pathogenic (3); Uncertain significance (1). Last evaluated 2023-02-15.

Conditions:
Cystic fibrosis (CF). Also called: MUCOVISCIDOSIS. Identifiers: Orphanet 586, MedGen C0010674, MONDO:0009061, OMIM 219700. Disease mechanism: loss of function.

Submissions (4):

Revvity Omics, Revvity
Classification: Likely pathogenic. Last evaluated: 2023-02-15. Review status: criteria provided, single submitter. Criteria: ACMG Guidelines, 2015. Collection method: clinical testing. Allele origin: germline.

Labcorp Genetics (formerly Invitae), Labcorp
Classification: Uncertain significance for Cystic fibrosis. Last evaluated: 2021-10-18. Review status: criteria provided, single submitter. Criteria: Invitae Variant Classification Sherloc (09022015). Collection method: clinical testing. Allele origin: germline.
Comment: This variant is not present in population databases (ExAC no frequency). In summary, the available evidence is currently insufficient to determine the role of this variant in disease. Therefore, it has been classified as a Variant of Uncertain Significance. This variant disrupts the p.His609 amino acid residue in CFTR. Other variant(s) that disrupt this residue have been determined to be pathogenic (PMID: 16189704, 19457724). This suggests that this residue is clinically significant, and that variants that disrupt this residue are likely to be disease-causing. Algorithms developed to predict the effect of missense changes on protein structure and function (SIFT, PolyPhen-2, Align-GVGD) all suggest that this variant is likely to be tolerated. ClinVar contains an entry for this variant (Variation ID: 53399). This missense change has been observed in individual(s) with clinical features of CFTR-related conditions (PMID: 21520337, 25910067, 31005549). This sequence change replaces histidine with leucine at codon 609 of the CFTR protein (p.His609Leu). The histidine residue is moderately conserved and there is a moderate physicochemical difference between histidine and leucine.

Genome-Nilou Lab
Classification: Likely pathogenic for Cystic fibrosis. Last evaluated: 2021-07-22. Review status: criteria provided, single submitter. Criteria: ACMG Guidelines, 2015. Collection method: clinical testing. Allele origin: germline. Affected: no.

Quest Diagnostics Nichols Institute San Juan Capistrano
Classification: Likely pathogenic. Last evaluated: 2016-12-27. Review status: criteria provided, single submitter. Criteria: Quest Diagnostics criteria. Collection method: clinical testing. Allele origin: germline.

Literature cited by the submitters: PubMed 16189704 (cited by Labcorp Genetics (formerly Invitae), Labcorp); PubMed 19457724 (cited by Labcorp Genetics (formerly Invitae), Labcorp); PubMed 21520337 (cited by Labcorp Genetics (formerly Invitae), Labcorp and Quest Diagnostics Nichols Institute San Juan Capistrano); PubMed 25910067 (cited by Labcorp Genetics (formerly Invitae), Labcorp); PubMed 31005549 (cited by Labcorp Genetics (formerly Invitae), Labcorp).

NM_000492.4(CFTR):c.1826A>T (p.His609Leu)

Gene: CFTR (CF transmembrane conductance regulator; plus strand). Cytogenetic location: 7q31.2.
Variant type: single nucleotide variant.
Coding change: c.1826A>T on transcript NM_000492.4 (MANE Select); coding-DNA position 1826, A replaced by T.
Protein change: p.His609Leu; replaces histidine 609 with leucine.
Molecular consequence: missense variant.
Genome position (GRCh38, 1-based): chr7:117,591,993, A>T. VCF-style: chr7-117591993-A-T. GRCh37 (hg19) VCF-style: chr7-117232047-A-T.
Other names: short protein forms H609L.
Identifiers: ClinVar variation 53399 (VCV000053399.17), dbSNP rs397508310, ClinGen allele CA326694.
Genomic context (GRCh38, chr7:117,591,993, plus strand): 5'-GCTGTGTCTGTAAACTGATGGCTAACAAAACTAGGATTTTGGTCACTTCTAAAATGGAAC[A>T]TTTAAAGAAAGCTGACAAAATATTAATTTTGCATGAAGGTAGCAGCTATTTTTATGGGAC-3'
Protein context (NP_000483.3, residues 599-619): TRILVTSKME[His609Leu]LKKADKILIL